The following is an entry in ClinVar:

ClinVar aggregate classification (germline): Uncertain significance (1 of 4 stars; one submission).

Conditions:
Autosomal recessive limb-girdle muscular dystrophy type 2P. Also called: MUSCULAR DYSTROPHY-DYSTROGLYCANOPATHY, LIMB-GIRDLE, DAG1-RELATED; Limb-Girdle Muscular Dystrophy Type 9C; MUSCULAR DYSTROPHY, LIMB-GIRDLE, TYPE 2P. Identifiers: Orphanet 280333, MedGen C4511963, MONDO:0013440, OMIM 613818.
Muscular dystrophy-dystroglycanopathy (congenital with brain and eye anomalies), type A9. Also called: Muscular dystrophy-dystroglycanopathy (congenital with brain and eye anomalies), type a, 9; WALKER-WARBURG SYNDROME OR MUSCLE-EYE BRAIN DISEASE, DAG1-RELATED. Identifiers: Orphanet 370997, Orphanet 899, MedGen C4225291, MONDO:0014683, OMIM 616538.

Allele frequency attached by ClinVar (database versions not stated): TOPMed below 0.00001; gnomAD 0.00002.
gnomAD v4.1: 3 of 1,613,924 alleles (0.00019%); highest among the groups gnomAD compares: African/African-American, 0.0027%; no homozygotes.

Submission:

Labcorp Genetics (formerly Invitae), Labcorp
Classification: Uncertain significance for Autosomal recessive limb-girdle muscular dystrophy type 2P; Muscular dystrophy-dystroglycanopathy (congenital with brain and eye anomalies), type A9. Last evaluated: 2021-11-12. Review status: criteria provided, single submitter. Criteria: Invitae Variant Classification Sherloc (09022015). Collection method: clinical testing. Allele origin: germline.
Comment: This sequence change replaces methionine, which is neutral and non-polar, with threonine, which is neutral and polar, at codon 883 of the DAG1 protein (p.Met883Thr). This variant is present in population databases (no rsID available, gnomAD 0.01%). This variant has not been reported in the literature in individuals affected with DAG1-related conditions. Algorithms developed to predict the effect of missense changes on protein structure and function are either unavailable or do not agree on the potential impact of this missense change (SIFT: "Tolerated"; PolyPhen-2: "Probably Damaging"; Align-GVGD: "Class C0"). In summary, the available evidence is currently insufficient to determine the role of this variant in disease. Therefore, it has been classified as a Variant of Uncertain Significance.

NM_004393.6(DAG1):c.2648T>C (p.Met883Thr)

Gene: DAG1 (dystroglycan 1; plus strand). Cytogenetic location: 3p21.31.
Variant type: single nucleotide variant.
Coding change: c.2648T>C on transcript NM_004393.6 (MANE Select); coding-DNA position 2648, T replaced by C.
Protein change: p.Met883Thr; replaces methionine 883 with threonine.
Molecular consequence: missense variant.
Genome position (GRCh38, 1-based): chr3:49,533,159, T>C. VCF-style: chr3-49533159-T-C. GRCh37 (hg19) VCF-style: chr3-49570592-T-C.
Other names: c.2648T>C, p.Met883Thr (NM_001165928.4, NM_001177634.3, NM_001177635.3 and 9 more transcripts); short protein forms M883T.
Identifiers: ClinVar variation 1415461 (VCV001415461.3), dbSNP rs962242031, ClinGen allele CA74522796.